The following is an entry in ClinVar:

NM_004974.4(KCNA2):c.317T>C (p.Leu106Ser)

Gene: KCNA2 (potassium voltage-gated channel subfamily A member 2; minus strand). Cytogenetic location: 1p13.3.
Variant type: single nucleotide variant.
Coding change: c.317T>C on transcript NM_004974.4 (MANE Select); coding-DNA position 317, T replaced by C.
Protein change: p.Leu106Ser; replaces leucine 106 with serine.
Molecular consequence: missense variant.
Genome position (GRCh38, 1-based): chr1:110,604,466, A>G on the plus strand (T>C on the coding strand, the complement: KCNA2 is on the minus strand). VCF-style: chr1-110604466-A-G. GRCh37 (hg19) VCF-style: chr1-111147088-A-G.
Other names: c.317T>C, p.Leu106Ser (NM_001204269.2); short protein forms L106S.
Identifiers: ClinVar variation 1438809 (VCV001438809.8), dbSNP rs2101402741, ClinGen allele CA341605932.

ClinVar aggregate classification (germline): Uncertain significance (1 of 4 stars; one submission).

Conditions:
Developmental and epileptic encephalopathy, 32 (DEE32). Also called: Epileptic encephalopathy, early infantile, 32. Identifiers: Orphanet 442835, MedGen C4225350, MONDO:0014607, OMIM 616366.

Submission:

Labcorp Genetics (formerly Invitae), Labcorp
Classification: Uncertain significance for Developmental and epileptic encephalopathy, 32. Last evaluated: 2024-09-21. Review status: criteria provided, single submitter. Criteria: Invitae Variant Classification Sherloc (09022015). Collection method: clinical testing. Allele origin: germline.
Comment: This sequence change replaces leucine, which is neutral and non-polar, with serine, which is neutral and polar, at codon 106 of the KCNA2 protein (p.Leu106Ser). This variant is not present in population databases (gnomAD no frequency). This variant has not been reported in the literature in individuals affected with KCNA2-related conditions. ClinVar contains an entry for this variant (Variation ID: 1438809). Invitae Evidence Modeling of protein sequence and biophysical properties (such as structural, functional, and spatial information, amino acid conservation, physicochemical variation, residue mobility, and thermodynamic stability) indicates that this missense variant is not expected to disrupt KCNA2 protein function with a negative predictive value of 80%. In summary, the available evidence is currently insufficient to determine the role of this variant in disease. Therefore, it has been classified as a Variant of Uncertain Significance.